The following is an entry in ClinVar:

NM_004982.4(KCNJ8):c.71_79dup (p.Lys24_Arg26dup)

Genes: KCNJ8 (potassium inwardly rectifying channel subfamily J member 8; minus strand), KCNJ8-AS1 (KCNJ8 antisense RNA 1; plus strand). Cytogenetic location: 12p12.1.
Variant type: Duplication.
Coding change: c.71_79dup on transcript NM_004982.4 (MANE Select); coding-DNA positions 71 to 79, 9 bases duplicated (AGCCGCGCA; older notation c.71_79dupAGCCGCGCA).
Protein change: p.Lys24_Arg26dup.
Molecular consequence: inframe insertion.
Genome position (GRCh38, 1-based): chr12:21,773,538-21,773,546, TGCGCGGCT duplicated on the plus strand (AGCCGCGCA on the coding strand, the reverse complement: KCNJ8 is on the minus strand); duplicating any 9 consecutive bases within chr12:21,773,538-21,773,551 gives the same sequence; the c. name uses the placement nearest the transcript's 3' end. VCF-style (leftmost placement, unchanged base first): chr12-21773537-A-ATGCGCGGCT. GRCh37 (hg19) VCF-style: chr12-21926471-A-ATGCGCGGCT.
Identifiers: ClinVar variation 1419392 (VCV001419392.6), dbSNP rs1447944616, ClinGen allele CA479107256.

ClinVar aggregate classification (germline): Uncertain significance (1 of 4 stars; one submission).

Conditions:
Brugada syndrome. Also called: Sudden unexplained nocturnal death syndrome; Sudden Unexplained Death Syndrome; Sudden Unexplained Nocturnal Death Syndrome (SUNDS); Sudden unexpected nocturnal death syndrome. Identifiers: Orphanet 130, MedGen C1142166, MONDO:0015263.

Submission:

Labcorp Genetics (formerly Invitae), Labcorp
Classification: Uncertain significance for Brugada syndrome. Last evaluated: 2023-06-27. Review status: criteria provided, single submitter. Criteria: Invitae Variant Classification Sherloc (09022015). Collection method: clinical testing. Allele origin: germline.
Comment: In summary, the available evidence is currently insufficient to determine the role of this variant in disease. Therefore, it has been classified as a Variant of Uncertain Significance. ClinVar contains an entry for this variant (Variation ID: 1419392). This variant has not been reported in the literature in individuals affected with KCNJ8-related conditions. This variant is not present in population databases (gnomAD no frequency). This variant, c.71_79dup, results in the insertion of 3 amino acid(s) of the KCNJ8 protein (p.Lys24_Arg26dup), but otherwise preserves the integrity of the reading frame.